The following is an entry in ClinVar:

ClinVar aggregate classification (germline): Uncertain significance (1 of 4 stars; one submission).

gnomAD v4.1: 3 of 1,551,638 alleles (0.00019%); highest among the groups gnomAD compares: Non-Finnish European, 0.00026%; no homozygotes.

Submission:

Labcorp Genetics (formerly Invitae), Labcorp
Classification: Uncertain significance. Last evaluated: 2024-09-19. Review status: criteria provided, single submitter. Criteria: Invitae Variant Classification Sherloc (09022015). Collection method: clinical testing. Allele origin: germline.
Comment: This sequence change replaces threonine, which is neutral and polar, with alanine, which is neutral and non-polar, at codon 718 of the FAM65B protein (p.Thr718Ala). This variant is not present in population databases (gnomAD no frequency). This variant has not been reported in the literature in individuals affected with FAM65B-related conditions. An algorithm developed to predict the effect of missense changes on protein structure and function (PolyPhen-2) suggests that this variant is likely to be tolerated. In summary, the available evidence is currently insufficient to determine the role of this variant in disease. Therefore, it has been classified as a Variant of Uncertain Significance.

NM_001286445.3(RIPOR2):c.2089A>G (p.Thr697Ala)

Gene: RIPOR2 (RHO family interacting cell polarization regulator 2; minus strand). Cytogenetic location: 6p22.3.
Variant type: single nucleotide variant.
Coding change: c.2089A>G on transcript NM_001286445.3 (MANE Select); coding-DNA position 2089, A replaced by G.
Protein change: p.Thr697Ala; replaces threonine 697 with alanine.
Molecular consequence: missense variant.
Genome position (GRCh38, 1-based): chr6:24,835,822, T>C on the plus strand (A>G on the coding strand, the complement: RIPOR2 is on the minus strand). VCF-style: chr6-24835822-T-C. GRCh37 (hg19) VCF-style: chr6-24836050-T-C.
Other names: c.2002A>G, p.Thr668Ala (NM_001346031.2, NM_001346032.2); c.2152A>G, p.Thr718Ala (NM_014722.5); short protein forms T668A, T697A, T718A.
Identifiers: ClinVar variation 3619482 (VCV003619482.2).
Genomic context (GRCh38, chr6:24,835,822, plus strand): 5'-TGCCTGTGGTCAGTGGGAGAGGACTTCCTGCCACACTGGTCCCAACTCCTGTGTCTTCAG[T>C]GAGCGCTTCACTGAGATGCCCCCTGGCTTCTGGGTGAACCGACCTGTAACTATTGAAGGT-3'
Protein context (NP_001273374.1, residues 687-707): EARGHLSEAL[Thr697Ala]EDTGVGTSVA